The following is an entry in ClinVar:

NM_000051.4(ATM):c.2705A>G (p.Lys902Arg)

Gene: ATM (ATM serine/threonine kinase; plus strand). Cytogenetic location: 11q22.3.
Variant type: single nucleotide variant.
Coding change: c.2705A>G on transcript NM_000051.4 (MANE Select); coding-DNA position 2705, A replaced by G.
Protein change: p.Lys902Arg; replaces lysine 902 with arginine.
Molecular consequence: missense variant.
Genome position (GRCh38, 1-based): chr11:108,268,476, A>G. VCF-style: chr11-108268476-A-G. GRCh37 (hg19) VCF-style: chr11-108139203-A-G.
Other names: p.K902R:AAG>AGG; c.2705A>G, p.Lys902Arg (NM_001351834.2); short protein forms K902R.
Identifiers: ClinVar variation 181935 (VCV000181935.3), dbSNP rs730881352, ClinGen allele CA298185.
Genomic context (GRCh38, chr11:108,268,476, plus strand): 5'-TTAATCCTTTAGCTGAAGAATATCTGTCAAAGCAAGATCTACTTTTCTTAGACATGCTCA[A>G]GTTCTTGTGTTTGTGTGTAACTACTGCTCAGACCAATACTGTGTCCTTTAGGGCAGCTGA-3'
Protein context (NP_000042.3, residues 892-912): KQDLLFLDML[Lys902Arg]FLCLCVTTAQ

ClinVar aggregate classification (germline): Uncertain significance. Review status: criteria provided, multiple submitters, no conflicts (2 of 4 stars). 2 submissions from 2 submitters: Uncertain significance (2). Last evaluated 2025-08-20.

Conditions:
Hereditary cancer-predisposing syndrome. Also called: Tumor predisposition; Hereditary Cancer Syndrome; Hereditary neoplastic syndrome; Neoplastic Syndromes, Hereditary. Identifiers: Orphanet 140162, MedGen C0027672, MeSH D009386, MONDO:0015356.

Submissions (2):

Ambry Genetics
Classification: Uncertain significance for Hereditary cancer-predisposing syndrome. Last evaluated: 2025-08-20. Review status: criteria provided, single submitter. Criteria: Ambry Variant Classification Scheme 2023. Collection method: clinical testing. Allele origin: germline.
Comment: The p.K902R variant (also known as c.2705A>G), located in coding exon 17 of the ATM gene, results from an A to G substitution at nucleotide position 2705. The lysine at codon 902 is replaced by arginine, an amino acid with highly similar properties. This amino acid position is not well conserved in available vertebrate species. In addition, this alteration is predicted to be tolerated by in silico analysis. Based on the available evidence, the clinical significance of this variant remains unclear.

GeneDx
Classification: Uncertain significance. Last evaluated: 2014-08-13. Review status: criteria provided, single submitter. Criteria: GeneDx Variant Classification (06012015). Collection method: clinical testing. Allele origin: germline. Affected: yes.
Comment: This variant is denoted ATM c.2705A>G at the cDNA level and p.Lys902Arg (K902R) at the protein level, and results in the change of a Lysine to an Arginine (AAG>AGG). This variant has not, to our knowledge, been published in the literature as pathogenic or benign. This variant was not observed in approximately 6,500 individuals of European and African American ancestry in the NHLBI Exome Sequencing Project, suggesting it is not a common benign variant in these populations. Since Lysine and Arginine share similar properties, this is considered a conservative amino acid substitution. ATM Lys902Arg occurs at a position that is moderately conserved across species with Arginine being the naturally occurring amino acid in several other species. It is not located in a known functional domain. In silico analyses predict that this variant is unlikely to alter protein structure or function. Based on currently available information, it is unclear whether ATM Lys902Arg is pathogenic or benign. We consider it to be a variant of uncertain significance.